The following is an entry in ClinVar:

ClinVar aggregate classification (germline): Uncertain significance. Review status: criteria provided, multiple submitters, no conflicts (2 of 4 stars). 5 submissions from 5 submitters: Uncertain significance (5). Last evaluated 2026-05-07.

Conditions:
Potassium-aggravated myotonia. Also called: MYOTONIA CONGENITA, ACETAZOLAMIDE-RESPONSIVE; MYOTONIA CONGENITA, ATYPICAL; SODIUM CHANNEL MUSCLE DISEASE; Myotonia congenita, atypical, acetazolamide-responsive. Identifiers: Orphanet 612, Orphanet 99734, Orphanet 99735, Orphanet 99736, MedGen C2931826, MONDO:0018959, OMIM 608390.
Hypokalemic periodic paralysis, type 2 (HOKPP2). Identifiers: Orphanet 681, MedGen C2750061, MONDO:0013234, OMIM 613345.
Paramyotonia congenita of Von Eulenburg. Also called: PARALYSIS PERIODICA PARAMYOTONICA; Paramyotonia Congenita; Eulenburg disease; Myotonia congenita intermittens; Von Eulenburg paramyotonia congenita. Identifiers: Orphanet 684, MedGen C0221055, MONDO:0008195, OMIM 168300. Disease mechanism: loss of function.
Hyperkalemic periodic paralysis. Also called: Familial hyperkalemic periodic paralysis; Gamstorp disease. Identifiers: Orphanet 682, MedGen C0238357, MONDO:0008224, OMIM 170500, HP:0007215.
Congenital myasthenic syndrome 16. Identifiers: Orphanet 590, MedGen C3280112, MONDO:0013620, OMIM 614198.
Congenital myopathy 22A, classic (CMYO22A). Identifiers: MedGen C5830453, MONDO:0957247, OMIM 620351.
Congenital myopathy 22B, severe fetal (CMYO22B). Identifiers: MedGen C5830501, MONDO:0957265, OMIM 620369.

Allele frequency attached by ClinVar (database versions not stated): TOPMed 0.00003; gnomAD 0.00002.

Submissions (5):

Women's Health and Genetics/Laboratory Corporation of America, LabCorp
Classification: Uncertain significance. Last evaluated: 2026-05-07. Review status: criteria provided, single submitter. Criteria: LabCorp Variant Classification Summary - May 2015. Collection method: clinical testing. Allele origin: germline.
Comment: Variant summary: SCN4A c.2479G>A (p.Gly827Arg) results in a non-conservative amino acid change in the encoded protein sequence. Algorithms developed to predict the effect of missense changes on protein structure and function are either unavailable or do not agree on the potential impact of this missense change. The variant allele was found at a frequency of 2e-05 in 200164 control chromosomes. The available data on variant occurrences in the general population are insufficient to allow any conclusion about variant significance. To our knowledge, no occurrence of c.2479G>A in individuals affected with SCN4A-related conditions and no experimental evidence demonstrating its impact on protein function have been reported. ClinVar contains an entry for this variant (Variation ID: 654818). Based on the evidence outlined above, the variant was classified as uncertain significance.

Labcorp Genetics (formerly Invitae), Labcorp
Classification: Uncertain significance for Hyperkalemic periodic paralysis. Last evaluated: 2024-12-23. Review status: criteria provided, single submitter. Criteria: Invitae Variant Classification Sherloc (09022015). Collection method: clinical testing. Allele origin: germline.
Comment: This sequence change replaces glycine, which is neutral and non-polar, with arginine, which is basic and polar, at codon 827 of the SCN4A protein (p.Gly827Arg). The frequency data for this variant in the population databases is considered unreliable, as metrics indicate poor data quality at this position in the gnomAD database. This variant has not been reported in the literature in individuals affected with SCN4A-related conditions. ClinVar contains an entry for this variant (Variation ID: 654818). Invitae Evidence Modeling of protein sequence and biophysical properties (such as structural, functional, and spatial information, amino acid conservation, physicochemical variation, residue mobility, and thermodynamic stability) indicates that this missense variant is not expected to disrupt SCN4A protein function with a negative predictive value of 95%. In summary, the available evidence is currently insufficient to determine the role of this variant in disease. Therefore, it has been classified as a Variant of Uncertain Significance.

Revvity Omics, Revvity
Classification: Uncertain significance. Last evaluated: 2024-10-17. Review status: criteria provided, single submitter. Criteria: ACMG Guidelines, 2015. Collection method: clinical testing. Allele origin: germline.

Athena Diagnostics
Classification: Uncertain significance. Last evaluated: 2024-10-09. Review status: criteria provided, single submitter. Criteria: Athena Diagnostics Criteria. Collection method: clinical testing. Allele origin: unknown.
Comment: Available data are insufficient to determine the clinical significance of the variant at this time. The frequency of this variant in the general population is uninformative in assessment of its pathogenicity. Polyphen and MutationTaster predict this amino acid change may be benign.

Fulgent Genetics
Classification: Uncertain significance for Paramyotonia congenita of Von Eulenburg; Hyperkalemic periodic paralysis; Potassium-aggravated myotonia; Hypokalemic periodic paralysis, type 2; Congenital myasthenic syndrome 16; Congenital myopathy 22A, classic; Congenital myopathy 22B, severe fetal. Last evaluated: 2023-12-29. Review status: criteria provided, single submitter. Criteria: ACMG Guidelines, 2015. Collection method: clinical testing. Allele origin: germline.

NM_000334.4(SCN4A):c.2479G>A (p.Gly827Arg)

Genes: GH-LCR (growth hormone locus control region; plus strand), SCN4A (sodium voltage-gated channel alpha subunit 4; minus strand). Cytogenetic location: 17q23.3.
Variant type: single nucleotide variant.
Coding change: c.2479G>A on transcript NM_000334.4 (MANE Select); coding-DNA position 2479, G replaced by A.
Protein change: p.Gly827Arg; replaces glycine 827 with arginine.
Molecular consequence: missense variant.
Genome position (GRCh38, 1-based): chr17:63,951,798, C>T on the plus strand (G>A on the coding strand, the complement: SCN4A is on the minus strand). VCF-style: chr17-63951798-C-T. GRCh37 (hg19) VCF-style: chr17-62029158-C-T.
Other names: short protein forms G827R.
Identifiers: ClinVar variation 654818 (VCV000654818.12), dbSNP rs1028907866, ClinGen allele CA292964362.